The following is an entry in ClinVar:

ClinVar aggregate classification (germline): Likely benign (0 of 4 stars; one submission).

Conditions:
SBF1-related disorder. Also called: SBF1-related condition.

Allele frequency attached by ClinVar (database versions not stated): gnomAD exomes below 0.00001; ExAC 0.00001.
gnomAD v4.1: 1 of 1,614,164 alleles (0.000062%); highest among the groups gnomAD compares: Admixed American, 0.0017%; no homozygotes.

Submission:

PreventionGenetics, part of Exact Sciences
Classification: Likely benign for SBF1-related condition. Last evaluated: 2019-06-13. Review status: no assertion criteria provided. Collection method: clinical testing. Allele origin: germline.
Comment: This variant is classified as likely benign based on ACMG/AMP sequence variant interpretation guidelines (Richards et al. 2015 PMID: 25741868, with internal and published modifications).

NM_002972.4(SBF1):c.489C>T (p.Cys163=)

Gene: SBF1 (SET binding factor 1; minus strand). Cytogenetic location: 22q13.33.
Variant type: single nucleotide variant.
Coding change: c.489C>T on transcript NM_002972.4 (MANE Select); coding-DNA position 489, C replaced by T.
Protein change: p.Cys163=; no amino-acid change (cysteine 163 retained).
Molecular consequence: synonymous variant.
Genome position (GRCh38, 1-based): chr22:50,467,398, G>A on the plus strand (C>T on the coding strand, the complement: SBF1 is on the minus strand). VCF-style: chr22-50467398-G-A. GRCh37 (hg19) VCF-style: chr22-50905827-G-A.
Other names: c.492C>T, p.Cys164= (NM_001365819.1, NM_001410794.1); c.489C>T, p.Cys163= (NM_001410795.1, NM_197971.1).
Identifiers: ClinVar variation 3033647 (VCV003033647.2), dbSNP rs765777206, ClinGen allele CA10318057.